The following is an entry in ClinVar:

ClinVar aggregate classification (germline): Uncertain significance (1 of 4 stars; one submission).

Conditions:
Fanconi anemia (FA). Also called: Fanconi's anemia. Identifiers: Orphanet 84, MedGen C0015625, MeSH D005199, MONDO:0019391.

gnomAD v4.1: 13 of 1,614,114 alleles (0.00081%); highest among the groups gnomAD compares: Non-Finnish European, 0.0011%; no homozygotes.

Submission:

Labcorp Genetics (formerly Invitae), Labcorp
Classification: Uncertain significance for Fanconi anemia. Last evaluated: 2025-06-29. Review status: criteria provided, single submitter. Criteria: Invitae Variant Classification Sherloc (09022015). Collection method: clinical testing. Allele origin: germline.
Comment: This sequence change replaces glutamic acid, which is acidic and polar, with aspartic acid, which is acidic and polar, at codon 1160 of the SLX4 protein (p.Glu1160Asp). This variant is present in population databases (rs780616849, gnomAD 0.002%). This variant has not been reported in the literature in individuals affected with SLX4-related conditions. An algorithm developed to predict the effect of missense changes on protein structure and function (PolyPhen-2) suggests that this variant is likely to be disruptive. In summary, the available evidence is currently insufficient to determine the role of this variant in disease. Therefore, it has been classified as a Variant of Uncertain Significance.

NM_032444.4(SLX4):c.3480G>T (p.Glu1160Asp)

Gene: SLX4 (SLX4 structure-specific endonuclease subunit; minus strand). Cytogenetic location: 16p13.3.
Variant type: single nucleotide variant.
Coding change: c.3480G>T on transcript NM_032444.4 (MANE Select); coding-DNA position 3480, G replaced by T.
Protein change: p.Glu1160Asp; replaces glutamic acid 1160 with aspartic acid.
Molecular consequence: missense variant.
Genome position (GRCh38, 1-based): chr16:3,590,158, C>A on the plus strand (G>T on the coding strand, the complement: SLX4 is on the minus strand). VCF-style: chr16-3590158-C-A. GRCh37 (hg19) VCF-style: chr16-3640159-C-A.
Other names: short protein forms E1160D.
Identifiers: ClinVar variation 4725994 (VCV004725994.1).
Genomic context (GRCh38, chr16:3,590,158, plus strand): 5'-TTTCTTTTCTTCCAGAGGATCACTAGAAATGGACTTCATTTTGGTTTGTTCTAGCTCCAG[C>A]TCCTCATCCGAGTCCAGTAAGAGGATGACCTCATCTTCTTCGTTCAGTTTGGATGAAGAT-3'
Protein context (NP_115820.2, residues 1150-1170): EVILLLDSDE[Glu1160Asp]LELEQTKMKS